The following is an entry in ClinVar:

NM_001369369.1(FOXN1):c.356G>T (p.Ser119Ile)

Gene: FOXN1 (forkhead box N1; plus strand). Cytogenetic location: 17q11.2.
Variant type: single nucleotide variant.
Coding change: c.356G>T on transcript NM_001369369.1 (MANE Select); coding-DNA position 356, G replaced by T.
Protein change: p.Ser119Ile; replaces serine 119 with isoleucine.
Molecular consequence: missense variant.
Genome position (GRCh38, 1-based): chr17:28,524,735, G>T. VCF-style: chr17-28524735-G-T. GRCh37 (hg19) VCF-style: chr17-26851753-G-T.
Other names: c.356G>T, p.Ser119Ile (NM_003593.3); short protein forms S119I.
Identifiers: ClinVar variation 4736770 (VCV004736770.1).

ClinVar aggregate classification (germline): Uncertain significance (1 of 4 stars; one submission).

Conditions:
T-cell immunodeficiency, congenital alopecia, and nail dystrophy. Also called: Congenital alopecia and nail dystrophy associated with severe functional T-cell immunodeficiency; Pignata Guarino syndrome. Identifiers: Orphanet 169095, MedGen C1866426, MONDO:0011132, OMIM 601705.

Submission:

Labcorp Genetics (formerly Invitae), Labcorp
Classification: Uncertain significance for T-cell immunodeficiency, congenital alopecia, and nail dystrophy. Last evaluated: 2025-08-15. Review status: criteria provided, single submitter. Criteria: Invitae Variant Classification Sherloc (09022015). Collection method: clinical testing. Allele origin: germline.
Comment: This sequence change replaces serine, which is neutral and polar, with isoleucine, which is neutral and non-polar, at codon 119 of the FOXN1 protein (p.Ser119Ile). This variant is not present in population databases (gnomAD no frequency). This variant has not been reported in the literature in individuals affected with FOXN1-related conditions. Invitae Evidence Modeling of protein sequence and biophysical properties (such as structural, functional, and spatial information, amino acid conservation, physicochemical variation, residue mobility, and thermodynamic stability) indicates that this missense variant is not expected to disrupt FOXN1 protein function with a negative predictive value of 80%. In summary, the available evidence is currently insufficient to determine the role of this variant in disease. Therefore, it has been classified as a Variant of Uncertain Significance.